The following is an entry in ClinVar:

NM_145690.3(YWHAZ):c.261G>A (p.Glu87=)

Gene: YWHAZ (tyrosine 3-monooxygenase/tryptophan 5-monooxygenase activation protein zeta; minus strand). Cytogenetic location: 8q22.3.
Variant type: single nucleotide variant.
Coding change: c.261G>A on transcript NM_145690.3 (MANE Select); coding-DNA position 261, G replaced by A.
Protein change: p.Glu87=; no amino-acid change (glutamic acid 87 retained).
Molecular consequence: synonymous variant.
Genome position (GRCh38, 1-based): chr8:100,948,629, C>T on the plus strand (G>A on the coding strand, the complement: YWHAZ is on the minus strand). VCF-style: chr8-100948629-C-T. GRCh37 (hg19) VCF-style: chr8-101960857-C-T.
Other names: c.261G>A, p.Glu87= (NM_001135699.2, NM_001135700.2, NM_001135701.2 and 2 more transcripts); c.261G>A (NM_001135702.1).
Identifiers: ClinVar variation 1593463 (VCV001593463.12), dbSNP rs41473144, ClinGen allele CA4829957.

ClinVar aggregate classification (germline): Benign. Review status: criteria provided, multiple submitters, no conflicts (2 of 4 stars). 4 submissions from 4 submitters: Benign (3). 1 of the submissions does not count toward it. Last evaluated 2026-05-09.

Conditions:
YWHAZ-related disorder. Also called: YWHAZ-related condition.

Allele frequency attached by ClinVar (database versions not stated): gnomAD 0.03803 and 0.03827; gnomAD exomes 0.05520 and 0.04359; TOPMed 0.03550; ESP Exome Variant Server 0.04213; 1000 Genomes Project 30x 0.02342; 1000 Genomes Project 0.02476; ExAC 0.04515.
gnomAD v4.1: 86,047 of 1,611,016 alleles (5.3%); highest among the groups gnomAD compares: Non-Finnish European, 6.1%; 2,555 homozygotes.

Submissions (4):

Women's Health and Genetics/Laboratory Corporation of America, LabCorp
Classification: Benign. Last evaluated: 2026-05-09. Review status: criteria provided, single submitter. Criteria: LabCorp Variant Classification Summary - May 2015. Collection method: clinical testing. Allele origin: germline.

Labcorp Genetics (formerly Invitae), Labcorp
Classification: Benign. Last evaluated: 2026-01-26. Review status: criteria provided, single submitter. Criteria: Invitae Variant Classification Sherloc (09022015). Collection method: clinical testing. Allele origin: germline.

Breakthrough Genomics
Classification: Benign. Review status: criteria provided, single submitter. Criteria: ACMG Guidelines, 2015. Collection method: not provided. Allele origin: germline. Inheritance: Unknown mechanism. Affected: yes.

PreventionGenetics, part of Exact Sciences
Classification: Benign for YWHAZ-related condition. Last evaluated: 2019-11-04. Review status: no assertion criteria provided. Collection method: clinical testing. Allele origin: germline. Not counted in ClinVar's aggregate classification.
Comment: This variant is classified as benign based on ACMG/AMP sequence variant interpretation guidelines (Richards et al. 2015 PMID: 25741868, with internal and published modifications).